The following is an entry in ClinVar:

ClinVar aggregate classification (germline): Uncertain significance (1 of 4 stars; one submission).

Conditions:
Developmental and epileptic encephalopathy, 14 (DEE14). Also called: Early infantile epileptic encephalopathy 14. Identifiers: Orphanet 293181, MedGen C3554195, MONDO:0013989, OMIM 614959.

Allele frequency attached by ClinVar (database versions not stated): gnomAD exomes below 0.00001.
gnomAD v4.1: 1 of 1,610,264 alleles (0.000062%); highest among the groups gnomAD compares: Non-Finnish European, 0.000085%; no homozygotes.

Submission:

Victorian Clinical Genetics Services, Murdoch Childrens Research Institute
Classification: Uncertain significance for Developmental and epileptic encephalopathy, 14. Last evaluated: 2020-07-02. Review status: criteria provided, single submitter. Criteria: ACMG Guidelines, 2015. Collection method: clinical testing. Allele origin: germline. Inheritance: Autosomal dominant inheritance. Affected: yes.
Comment: Based on the classification scheme VCGS_Germline_v1.1.1, this variant is classified as 3B-VUS. Following criteria are met: 0101 - Gain-of-function is a known mechanism of disease for this gene. (N) 0107 - This gene is known to be associated with autosomal dominant disease. (N) 0200 - Variant is predicted to result in a missense amino acid change from cysteine to serine (exon 20). (N) 0251 - Variant is heterozygous. (N) 0301 - Variant is absent from gnomAD. (P) 0501 - Missense variant consistently predicted to be damaging by multiple in silico tools or highly conserved with a major amino acid change. (P) 0604 - Variant is not located in an established domain, motif, hotspot or informative constraint region. (N) 0705 - No comparable variants have previous evidence for pathogenicity. (N) 0807 - Variant has not previously been reported in a clinical context. (N) 0905 - No segregation evidence has been identified for this variant. (N) 1007 - No published functional evidence has been identified for this variant. (N) 1208 - Inheritance information for this variant is not currently available. (N) Legend: (P) - Pathogenic, (N) - Neutral, (B) - Benign

NM_020822.3(KCNT1):c.2330G>C (p.Cys777Ser)

Gene: KCNT1 (potassium sodium-activated channel subfamily T member 1; plus strand). Cytogenetic location: 9q34.3.
Variant type: single nucleotide variant.
Coding change: c.2330G>C on transcript NM_020822.3 (MANE Select); coding-DNA position 2330, G replaced by C.
Protein change: p.Cys777Ser; replaces cysteine 777 with serine.
Molecular consequence: missense variant.
Genome position (GRCh38, 1-based): chr9:135,775,396, G>C. VCF-style: chr9-135775396-G-C. GRCh37 (hg19) VCF-style: chr9-138667242-G-C.
Other names: c.2195G>C, p.Cys732Ser (NM_001272003.2); short protein forms C732S, C777S.
Identifiers: ClinVar variation 1805710 (VCV001805710.1), dbSNP rs2491010669, ClinGen allele CA375512494.